The following is an entry in ClinVar:

ClinVar aggregate classification (germline): Conflicting classifications of pathogenicity. Review status: criteria provided, conflicting classifications (1 of 4 stars). 5 submissions from 5 submitters: Uncertain significance (1); Benign (2); Likely benign (2). Last evaluated 2026-07-01.

Conditions:
Emery-Dreifuss muscular dystrophy 5, autosomal dominant (EDMD5). Also called: EMERY-DREIFUSS MUSCULAR DYSTROPHY 5. Identifiers: Orphanet 261, MedGen C2751805, MONDO:0013072, OMIM 612999.

Allele frequency attached by ClinVar (database versions not stated): TOPMed 0.00084; gnomAD 0.00086 and 0.00091; gnomAD exomes 0.00099; ESP Exome Variant Server 0.00100; ExAC 0.00113.
gnomAD v4.1: 2,758 of 1,614,036 alleles (0.17%); highest among the groups gnomAD compares: Non-Finnish European, 0.22%; 4 homozygotes.

Submissions (5):

CeGaT Center for Human Genetics Tuebingen
Classification: Benign. Last evaluated: 2026-07-01. Review status: criteria provided, single submitter. Criteria: CeGaT Center For Human Genetics Tuebingen Variant Classification Criteria Version 2. Collection method: clinical testing. Allele origin: germline. Affected: yes. Observed: 3 variant alleles.
Comment: SYNE2: BP4, BS1, BS2

Labcorp Genetics (formerly Invitae), Labcorp
Classification: Likely benign for Emery-Dreifuss muscular dystrophy 5, autosomal dominant. Last evaluated: 2026-01-27. Review status: criteria provided, single submitter. Criteria: Invitae Variant Classification Sherloc (09022015). Collection method: clinical testing. Allele origin: germline.

Illumina Laboratory Services, Illumina
Classification: Benign for Emery-Dreifuss muscular dystrophy 5, autosomal dominant. Last evaluated: 2018-01-13. Review status: criteria provided, single submitter. Criteria: ICSL Variant Classification Criteria 13 December 2019. Collection method: clinical testing. Allele origin: germline.
Comment: This variant was observed in the ICSL laboratory as part of a predisposition screen in an ostensibly healthy population. It had not been previously curated by ICSL or reported in the Human Gene Mutation Database (HGMD: prior to June 1st, 2018), and was therefore a candidate for classification through an automated scoring system. Utilizing variant allele frequency, disease prevalence and penetrance estimates, and inheritance mode, an automated score was calculated to assess if this variant is too frequent to cause the disease. Based on the score and internal cut-off values, a variant classified as benign is not then subjected to further curation. The score for this variant resulted in a classification of benign for this disease.

Center for Pediatric Genomic Medicine, Children's Mercy Hospital and Clinics
Classification: Likely benign. Last evaluated: 2017-03-10. Review status: criteria provided, single submitter. Criteria: ACMG Guidelines, 2015. Collection method: clinical testing. Allele origin: germline.

Eurofins Ntd Llc (ga)
Classification: Uncertain significance. Last evaluated: 2015-08-19. Review status: criteria provided, single submitter. Criteria: EGL Classification Definitions 2015. Collection method: clinical testing. Allele origin: germline. Observed: 2 variant alleles, 2 heterozygotes.

NM_182914.3(SYNE2):c.20161G>A (p.Ala6721Thr)

Gene: SYNE2 (spectrin repeat containing nuclear envelope protein 2; plus strand). Cytogenetic location: 14q23.2.
Variant type: single nucleotide variant.
Coding change: c.20161G>A on transcript NM_182914.3 (MANE Select); coding-DNA position 20161, G replaced by A.
Protein change: p.Ala6721Thr; replaces alanine 6721 with threonine.
Molecular consequence: missense variant.
Genome position (GRCh38, 1-based): chr14:64,221,675, G>A. VCF-style: chr14-64221675-G-A. GRCh37 (hg19) VCF-style: chr14-64688393-G-A.
Other names: c.20092G>A, p.Ala6698Thr (NM_015180.6); c.727G>A, p.Ala243Thr (NM_182910.2); c.1105G>A, p.Ala369Thr (NM_182913.4); short protein forms A6721T, A6698T, A243T, A369T.
Identifiers: ClinVar variation 282661 (VCV000282661.45), dbSNP rs140897155, ClinGen allele CA7224740.